The following is an entry in ClinVar:

ClinVar aggregate classification (germline): Uncertain significance (1 of 4 stars; one submission).

Conditions:
Neuronopathy, distal hereditary motor, autosomal recessive 4. Also called: NEUROPATHY, DISTAL HEREDITARY MOTOR, AUTOSOMAL RECESSIVE 4; Autosomal recessive lower motor neuron disease with childhood onset. Identifiers: Orphanet 206580, MedGen C1970211, MONDO:0012608, OMIM 611067.
Charcot-Marie-Tooth disease recessive intermediate C. Also called: CHARCOT-MARIE-TOOTH NEUROPATHY, RECESSIVE INTERMEDIATE C. Identifiers: Orphanet 369867, MedGen C3809309, MONDO:0014154, OMIM 615376.

Allele frequency attached by ClinVar (database versions not stated): gnomAD exomes below 0.00001; ExAC 0.00001.

Submission:

Labcorp Genetics (formerly Invitae), Labcorp
Classification: Uncertain significance for Neuronopathy, distal hereditary motor, autosomal recessive 4; Charcot-Marie-Tooth disease recessive intermediate C. Last evaluated: 2019-09-13. Review status: criteria provided, single submitter. Criteria: Invitae Variant Classification Sherloc (09022015). Collection method: clinical testing. Allele origin: germline.
Comment: In summary, the available evidence is currently insufficient to determine the role of this variant in disease. Therefore, it has been classified as a Variant of Uncertain Significance. Algorithms developed to predict the effect of missense changes on protein structure and function are either unavailable or do not agree on the potential impact of this missense change (SIFT: "Tolerated"; PolyPhen-2: "Probably Damaging"; Align-GVGD: "Class C0"). This variant has not been reported in the literature in individuals with PLEKHG5-related conditions. This variant is present in population databases (rs767511293, ExAC 0.009%). This sequence change replaces glutamic acid with aspartic acid at codon 317 of the PLEKHG5 protein (p.Glu317Asp). The glutamic acid residue is highly conserved and there is a small physicochemical difference between glutamic acid and aspartic acid.

NM_020631.6(PLEKHG5):c.951G>C (p.Glu317Asp)

Gene: PLEKHG5 (pleckstrin homology and RhoGEF domain containing G5; minus strand). Cytogenetic location: 1p36.31.
Variant type: single nucleotide variant.
Coding change: c.951G>C on transcript NM_020631.6 (MANE Select); coding-DNA position 951, G replaced by C.
Protein change: p.Glu317Asp; replaces glutamic acid 317 with aspartic acid.
Molecular consequence: missense variant.
Genome position (GRCh38, 1-based): chr1:6,473,019, C>G on the plus strand (G>C on the coding strand, the complement: PLEKHG5 is on the minus strand). VCF-style: chr1-6473019-C-G. GRCh37 (hg19) VCF-style: chr1-6533079-C-G.
Other names: c.1062G>C, p.Glu354Asp (NM_001042663.3, NM_001265592.2); c.951G>C, p.Glu317Asp (NM_001042664.2, NM_001042665.2, NM_001265594.3 and 1 more transcripts); c.1158G>C, p.Glu386Asp (NM_001265593.2); short protein forms E317D, E354D, E386D.
Identifiers: ClinVar variation 953629 (VCV000953629.10), dbSNP rs767511293, ClinGen allele CA561702.